The following is an entry in ClinVar:

ClinVar aggregate classification (germline): Uncertain significance. Review status: criteria provided, multiple submitters, no conflicts (2 of 4 stars). 4 submissions from 4 submitters: Uncertain significance (4). Last evaluated 2025-06-11.

Conditions:
Familial adenomatous polyposis 1 (FAP1). Also called: FAMILIAL ADENOMATOUS POLYPOSIS 1, ATTENUATED; POLYPOSIS, ADENOMATOUS INTESTINAL. Identifiers: MedGen C2713442, MONDO:0021056, OMIM 175100. Disease mechanism: loss of function.
Hereditary cancer-predisposing syndrome. Also called: Tumor predisposition; Hereditary Cancer Syndrome; Hereditary neoplastic syndrome; Neoplastic Syndromes, Hereditary. Identifiers: Orphanet 140162, MedGen C0027672, MeSH D009386, MONDO:0015356.

Allele frequency attached by ClinVar (database versions not stated): gnomAD exomes below 0.00001 and 0.00001; TOPMed below 0.00001; gnomAD 0.00001.
gnomAD v4.1: 17 of 1,613,914 alleles (0.0011%); highest among the groups gnomAD compares: Non-Finnish European, 0.0014%; no homozygotes.

Submissions (4):

Ambry Genetics
Classification: Uncertain significance for Hereditary cancer-predisposing syndrome. Last evaluated: 2025-06-11. Review status: criteria provided, single submitter. Criteria: Ambry Variant Classification Scheme 2023. Collection method: clinical testing. Allele origin: germline.

Labcorp Genetics (formerly Invitae), Labcorp
Classification: Uncertain significance for Familial adenomatous polyposis 1. Last evaluated: 2024-12-17. Review status: criteria provided, single submitter. Criteria: Invitae Variant Classification Sherloc (09022015). Collection method: clinical testing. Allele origin: germline.
Comment: This sequence change replaces leucine, which is neutral and non-polar, with phenylalanine, which is neutral and non-polar, at codon 2718 of the APC protein (p.Leu2718Phe). This variant is present in population databases (no rsID available, gnomAD 0.0009%). This variant has not been reported in the literature in individuals affected with APC-related conditions. ClinVar contains an entry for this variant (Variation ID: 537561). Invitae Evidence Modeling of protein sequence and biophysical properties (such as structural, functional, and spatial information, amino acid conservation, physicochemical variation, residue mobility, and thermodynamic stability) indicates that this missense variant is not expected to disrupt APC protein function with a negative predictive value of 95%. In summary, the available evidence is currently insufficient to determine the role of this variant in disease. Therefore, it has been classified as a Variant of Uncertain Significance.

Color Diagnostics, LLC DBA Color Health
Classification: Uncertain significance for Hereditary cancer-predisposing syndrome. Last evaluated: 2024-03-07. Review status: criteria provided, single submitter. Criteria: ACMG Guidelines, 2015. Collection method: clinical testing. Allele origin: germline.
Comment: This missense variant replaces leucine with phenylalanine at codon 2718 of the APC protein. Computational prediction tool is inconclusive regarding the impact of this variant on protein structure and function (internally defined REVEL score threshold 0.5 < inconclusive < 0.7, PMID: 27666373). Splice site prediction tools suggest that this variant may not impact RNA splicing. To our knowledge, functional studies have not been performed for this variant. This variant has not been reported in individuals affected with hereditary cancer in the literature. This variant has been identified in 1/251316 chromosomes in the general population by the Genome Aggregation Database (gnomAD). The available evidence is insufficient to determine the role of this variant in disease conclusively. Therefore, this variant is classified as a Variant of Uncertain Significance.

GeneDx
Classification: Uncertain significance. Last evaluated: 2023-02-15. Review status: criteria provided, single submitter. Criteria: GeneDx Variant Classification Process June 2021. Collection method: clinical testing. Allele origin: germline. Affected: yes.
Comment: Not observed at significant frequency in large population cohorts (gnomAD); In silico analysis supports that this missense variant does not alter protein structure/function; Has not been previously published as pathogenic or benign to our knowledge; This variant is associated with the following publications: (PMID: 18199528)

NM_000038.6(APC):c.8154G>T (p.Leu2718Phe)

Gene: APC (APC regulator of Wnt signaling pathway; plus strand). Cytogenetic location: 5q22.2.
Variant type: single nucleotide variant.
Coding change: c.8154G>T on transcript NM_000038.6 (MANE Select); coding-DNA position 8154, G replaced by T.
Protein change: p.Leu2718Phe; replaces leucine 2718 with phenylalanine.
Molecular consequence: missense variant.
Genome position (GRCh38, 1-based): chr5:112,843,748, G>T. VCF-style: chr5-112843748-G-T. GRCh37 (hg19) VCF-style: chr5-112179445-G-T.
Other names: c.8154G>T, p.Leu2718Phe (NM_001127510.3, NM_001354895.2); c.8100G>T, p.Leu2700Phe (NM_001127511.3); c.8208G>T, p.Leu2736Phe (NM_001354896.2); c.8184G>T, p.Leu2728Phe (NM_001354897.2); c.8079G>T, p.Leu2693Phe (NM_001354898.2); c.8070G>T, p.Leu2690Phe (NM_001354899.2); c.8031G>T, p.Leu2677Phe (NM_001354900.2); c.7977G>T, p.Leu2659Phe (NM_001354901.2); and 5 more; short protein forms L2700F, L2718F, L2693F, L2736F, L2558F, L2659F, L2592F, L2617F.
Identifiers: ClinVar variation 537561 (VCV000537561.15), dbSNP rs1459209015, ClinGen allele CA16039032.